The following is an entry in ClinVar:

ClinVar aggregate classification (germline): Uncertain significance (1 of 4 stars; one submission).

Conditions:
ALMS1-related disorder. Also called: ALMS1-related condition.

gnomAD v4.1: 1 of 1,613,820 alleles (0.000062%); highest among the groups gnomAD compares: African/African-American, 0.0013%; no homozygotes.

Submission:

PreventionGenetics, part of Exact Sciences
Classification: Uncertain significance for ALMS1-related condition. Last evaluated: 2026-07-15. Review status: criteria provided, single submitter. Criteria: ACMG Guidelines, 2015. Collection method: clinical testing. Allele origin: germline.
Comment: The ALMS1 c.3700A>G variant is predicted to result in the amino acid substitution p.Thr1234Ala. To our knowledge, this variant has not been reported in the literature. This variant is reported in 0.011% of alleles in individuals of East Asian descent in gnomAD. At this time, the clinical significance of this variant is uncertain due to the absence of conclusive functional and genetic evidence.

NM_001378454.1(ALMS1):c.3697A>G (p.Thr1233Ala)

Gene: ALMS1 (ALMS1 centrosome and basal body associated protein; plus strand). Cytogenetic location: 2p13.1.
Variant type: single nucleotide variant.
Coding change: c.3697A>G on transcript NM_001378454.1 (MANE Select); coding-DNA position 3697, A replaced by G.
Protein change: p.Thr1233Ala; replaces threonine 1233 with alanine.
Molecular consequence: missense variant.
Genome position (GRCh38, 1-based): chr2:73,450,224, A>G. VCF-style: chr2-73450224-A-G. GRCh37 (hg19) VCF-style: chr2-73677351-A-G.
Other names: c.3700A>G, p.Thr1234Ala (NM_015120.4); short protein forms T1234A, T1233A.
Identifiers: ClinVar variation 4997221 (VCV004997221.1).